The following is an entry in ClinVar:

ClinVar aggregate classification (germline): Uncertain significance (1 of 4 stars; one submission).

Submission:

Labcorp Genetics (formerly Invitae), Labcorp
Classification: Uncertain significance. Last evaluated: 2025-01-13. Review status: criteria provided, single submitter. Criteria: Invitae Variant Classification Sherloc (09022015). Collection method: clinical testing. Allele origin: germline.
Comment: This sequence change replaces lysine, which is basic and polar, with asparagine, which is neutral and polar, at codon 127 of the TBCK protein (p.Lys127Asn). This variant also falls at the last nucleotide of exon 4, which is part of the consensus splice site for this exon. This variant is not present in population databases (gnomAD no frequency). This missense change has been observed in individual(s) with clinical features of TBCK-related conditions (internal data). In at least one individual the data is consistent with being in trans (on the opposite chromosome) from a pathogenic variant. An algorithm developed to predict the effect of missense changes on protein structure and function (PolyPhen-2) suggests that this variant is likely to be tolerated. Variants that disrupt the consensus splice site are a relatively common cause of aberrant splicing (PMID: 17576681, 9536098). Algorithms developed to predict the effect of sequence changes on RNA splicing suggest that this variant may disrupt the consensus splice site. In summary, the available evidence is currently insufficient to determine the role of this variant in disease. Therefore, it has been classified as a Variant of Uncertain Significance.

Literature cited by the submitters: PubMed 17576681; PubMed 9536098.

NM_001163435.3(TBCK):c.381G>C (p.Lys127Asn)

Gene: TBCK (TBC1 domain containing kinase; minus strand). Cytogenetic location: 4q24.
Variant type: single nucleotide variant.
Coding change: c.381G>C on transcript NM_001163435.3 (MANE Select); coding-DNA position 381, G replaced by C.
Protein change: p.Lys127Asn; replaces lysine 127 with asparagine.
Molecular consequence: missense variant. On other transcripts: intron variant (1), 5 prime UTR variant (1).
Genome position (GRCh38, 1-based): chr4:106,262,098, C>G on the plus strand (G>C on the coding strand, the complement: TBCK is on the minus strand). VCF-style: chr4-106262098-C-G. GRCh37 (hg19) VCF-style: chr4-107183255-C-G.
Other names: c.267-10091G>C (NM_033115.5); c.381G>C, p.Lys127Asn (NM_001163437.3, NM_001163436.4); c.-237G>C (NM_001290768.2); short protein forms K127N.
Identifiers: ClinVar variation 3727026 (VCV003727026.2).